The following is an entry in ClinVar:

NM_000038.6(APC):c.1863T>C (p.Thr621=)

Gene: APC (APC regulator of Wnt signaling pathway; plus strand). Cytogenetic location: 5q22.2.
Variant type: single nucleotide variant.
Coding change: c.1863T>C on transcript NM_000038.6 (MANE Select); coding-DNA position 1863, T replaced by C.
Protein change: p.Thr621=; no amino-acid change (threonine 621 retained).
Molecular consequence: synonymous variant.
Genome position (GRCh38, 1-based): chr5:112,835,070, T>C. VCF-style: chr5-112835070-T-C. GRCh37 (hg19) VCF-style: chr5-112170767-T-C.
Other names: c.1863T>C, p.Thr621= (NM_001127510.3, NM_001354895.2); c.1809T>C, p.Thr603= (NM_001127511.3); c.1917T>C, p.Thr639= (NM_001354896.2); c.1893T>C, p.Thr631= (NM_001354897.2); c.1788T>C, p.Thr596= (NM_001354898.2); c.1779T>C, p.Thr593= (NM_001354899.2); c.1740T>C, p.Thr580= (NM_001354900.2); c.1686T>C, p.Thr562= (NM_001354901.2); and 5 more.
Identifiers: ClinVar variation 135686 (VCV000135686.51), dbSNP rs72541808, ClinGen allele CA006193.

ClinVar aggregate classification (germline): Benign/Likely benign. Review status: criteria provided, multiple submitters, no conflicts (2 of 4 stars). 11 submissions from 11 submitters: Benign (1); Likely benign (10). Last evaluated 2025-12-16.

Conditions:
Classic or attenuated familial adenomatous polyposis. Identifiers: MedGen CN372698, MONDO:0021057.
Hereditary cancer-predisposing syndrome. Also called: Tumor predisposition; Hereditary neoplastic syndrome; Hereditary Cancer Syndrome; Neoplastic Syndromes, Hereditary. Identifiers: Orphanet 140162, MedGen C0027672, MeSH D009386, MONDO:0015356.
Familial adenomatous polyposis 1 (FAP1). Also called: POLYPOSIS, ADENOMATOUS INTESTINAL; FAMILIAL ADENOMATOUS POLYPOSIS 1, ATTENUATED. Identifiers: MedGen C2713442, MONDO:0021056, OMIM 175100. Disease mechanism: loss of function.
Desmoid disease, hereditary (DESMD). Also called: FIBROMATOSIS, FAMILIAL INFILTRATIVE. Identifiers: Orphanet 873, MedGen C1851124, OMIM 135290. Disease mechanism: loss of function.

Allele frequency attached by ClinVar (database versions not stated): ExAC 0.00001; gnomAD 0.00001; gnomAD exomes 0.00001; TOPMed 0.00002.
gnomAD v4.1: 17 of 1,614,042 alleles (0.0011%); highest among the groups gnomAD compares: Non-Finnish European, 0.0014%; no homozygotes.

Submissions (11):

Labcorp Genetics (formerly Invitae), Labcorp
Classification: Likely benign for Familial adenomatous polyposis 1. Last evaluated: 2025-12-16. Review status: criteria provided, single submitter. Criteria: Invitae Variant Classification Sherloc (09022015). Collection method: clinical testing. Allele origin: germline.

Quest Diagnostics Nichols Institute San Juan Capistrano
Classification: Likely benign. Last evaluated: 2025-06-13. Review status: criteria provided, single submitter. Criteria: Quest Diagnostics criteria. Collection method: clinical testing. Allele origin: unknown.

Center for Genomic Medicine, Rigshospitalet, Copenhagen University Hospital
Classification: Likely benign. Last evaluated: 2025-03-04. Review status: criteria provided, single submitter. Criteria: ACMG Guidelines, 2015. Collection method: clinical testing. Allele origin: germline.

Blueprint Genetics
Classification: Likely benign. Last evaluated: 2024-09-13. Review status: criteria provided, single submitter. Criteria: ACMG Guidelines, 2015. Collection method: clinical testing. Allele origin: germline.

Myriad Genetics, Inc.
Classification: Benign for Familial adenomatous polyposis 1. Last evaluated: 2024-03-07. Review status: criteria provided, single submitter. Criteria: Myriad Autosomal Dominant, Autosomal Recessive and X-Linked Classification Criteria (2023). Collection method: clinical testing. Allele origin: unknown.
Comment: This variant is considered benign. This variant is a silent/synonymous amino acid change and it is not expected to impact splicing.

CeGaT Center for Human Genetics Tuebingen
Classification: Likely benign. Last evaluated: 2024-03-01. Review status: criteria provided, single submitter. Criteria: CeGaT Center For Human Genetics Tuebingen Variant Classification Criteria Version 2. Collection method: clinical testing. Allele origin: germline. Affected: yes. Observed: 2 variant alleles.
Comment: APC: BP4, BP7

All of Us Research Program, National Institutes of Health
Classification: Likely benign for Classic or attenuated familial adenomatous polyposis. Last evaluated: 2023-08-28. Review status: criteria provided, single submitter. Criteria: ACMG Guidelines, 2015. Collection method: clinical testing. Allele origin: germline. Inheritance: Autosomal dominant inheritance. Observed: 1 variant allele, 1 heterozygote.
Comment: This study involves interpretation of variants in research participants for the purpose of population health screening. Participant phenotype was not available at the time of variant classification. Additional details can be found in publication PMID: 35346344, PMCID: PMC8962531

Department of Pathology and Laboratory Medicine, Sinai Health System
Classification: Likely benign for Desmoid disease, hereditary. Last evaluated: 2022-08-29. Review status: criteria provided, single submitter. Criteria: ACMG Guidelines, 2015. Collection method: clinical testing. Allele origin: germline. Affected: yes.

Sema4
Classification: Likely benign for Hereditary cancer-predisposing syndrome. Last evaluated: 2021-06-23. Review status: criteria provided, single submitter. Criteria: Sema4 Curation Guidelines. Collection method: curation. Allele origin: germline.

Color Diagnostics, LLC DBA Color Health
Classification: Likely benign for Hereditary cancer-predisposing syndrome. Last evaluated: 2016-09-20. Review status: criteria provided, single submitter. Criteria: ACMG Guidelines, 2015. Collection method: clinical testing. Allele origin: germline.

Ambry Genetics
Classification: Likely benign for Hereditary cancer-predisposing syndrome. Last evaluated: 2015-06-04. Review status: criteria provided, single submitter. Criteria: Ambry Variant Classification Scheme 2023. Collection method: clinical testing. Allele origin: germline.